The following is an entry in ClinVar:

NM_000179.3(MSH6):c.1770C>G (p.Pro590=)

Gene: MSH6 (mutS homolog 6; plus strand). Cytogenetic location: 2p16.3.
Variant type: single nucleotide variant.
Coding change: c.1770C>G on transcript NM_000179.3 (MANE Select); coding-DNA position 1770, C replaced by G.
Protein change: p.Pro590=; no amino-acid change (proline 590 retained).
Molecular consequence: synonymous variant.
Genome position (GRCh38, 1-based): chr2:47,799,753, C>G. VCF-style: chr2-47799753-C-G. GRCh37 (hg19) VCF-style: chr2-48026892-C-G.
Other names: c.1380C>G, p.Pro460= (NM_001281492.2); c.864C>G, p.Pro288= (NM_001281493.2, NM_001281494.2).
Identifiers: ClinVar variation 760960 (VCV000760960.12), dbSNP rs267608070, ClinGen allele CA426121102.
Genomic context (GRCh38, chr2:47,799,753, plus strand): 5'-AGGTCAGTTTTCAGATGATCGCCATTGTTCGAGATTTAGGACTCTAGTGGCACACTATCC[C>G]CCAGTACAAGTTTTATTTGAAAAAGGAAATCTCTCAAAGGAAACTAAAACAATTCTAAAG-3'
Protein context (NP_000170.1, residues 580-600): SRFRTLVAHY[Pro590=]PVQVLFEKGN

ClinVar aggregate classification (germline): Benign/Likely benign. Review status: criteria provided, multiple submitters, no conflicts (2 of 4 stars). 3 submissions from 3 submitters: Benign (1); Likely benign (2). Last evaluated 2024-12-27.

Conditions:
Lynch syndrome 5 (LYNCH5). Also called: Colorectal cancer, hereditary nonpolyposis, type 5; Hereditary non-polyposis colorectal cancer, type 5. Identifiers: Orphanet 144, MedGen C1833477, MONDO:0013710, OMIM 614350. Disease mechanism: loss of function.
Hereditary cancer-predisposing syndrome. Also called: Tumor predisposition; Neoplastic Syndromes, Hereditary; Hereditary Cancer Syndrome; Hereditary neoplastic syndrome. Identifiers: Orphanet 140162, MedGen C0027672, MeSH D009386, MONDO:0015356.
Hereditary nonpolyposis colorectal neoplasms. Identifiers: MedGen C0009405, MeSH D003123.

Submissions (3):

Myriad Genetics, Inc.
Classification: Benign for Lynch syndrome 5. Last evaluated: 2024-12-27. Review status: criteria provided, single submitter. Criteria: Myriad Autosomal Dominant, Autosomal Recessive and X-Linked Classification Criteria (2023). Collection method: clinical testing. Allele origin: unknown.
Comment: This variant is considered benign. This variant is a silent/synonymous amino acid change and it is not expected to impact splicing.

Labcorp Genetics (formerly Invitae), Labcorp
Classification: Likely benign for Hereditary nonpolyposis colorectal neoplasms. Last evaluated: 2024-09-18. Review status: criteria provided, single submitter. Criteria: Invitae Variant Classification Sherloc (09022015). Collection method: clinical testing. Allele origin: germline.

Ambry Genetics
Classification: Likely benign for Hereditary cancer-predisposing syndrome. Last evaluated: 2023-11-21. Review status: criteria provided, single submitter. Criteria: Ambry Variant Classification Scheme 2023. Collection method: clinical testing. Allele origin: germline.